The following is an entry in ClinVar:

NM_001136191.3(KANK2):c.1399G>A (p.Glu467Lys)

Gene: KANK2 (KN motif and ankyrin repeat domains 2; minus strand). Cytogenetic location: 19p13.2.
Variant type: single nucleotide variant.
Coding change: c.1399G>A on transcript NM_001136191.3 (MANE Select); coding-DNA position 1399, G replaced by A.
Protein change: p.Glu467Lys; replaces glutamic acid 467 with lysine.
Molecular consequence: missense variant.
Genome position (GRCh38, 1-based): chr19:11,178,571, C>T on the plus strand (G>A on the coding strand, the complement: KANK2 is on the minus strand). VCF-style: chr19-11178571-C-T. GRCh37 (hg19) VCF-style: chr19-11289247-C-T.
Other names: c.1399G>A, p.Glu467Lys (NM_001329451.2, NM_001379548.1, NM_001379549.1 and 15 more transcripts); c.1399G>A (NM_015493.6); short protein forms E467K.
Identifiers: ClinVar variation 2896672 (VCV002896672.4), dbSNP rs764930410, ClinGen allele CA9205712.

ClinVar aggregate classification (germline): Uncertain significance. Review status: criteria provided, multiple submitters, no conflicts (2 of 4 stars). 2 submissions from 2 submitters: Uncertain significance (2). Last evaluated 2025-03-13.

Allele frequency attached by ClinVar (database versions not stated): gnomAD 0.00013; gnomAD exomes 0.00001; ExAC 0.00003.
gnomAD v4.1: 38 of 1,604,230 alleles (0.0024%); highest among the groups gnomAD compares: African/African-American, 0.039%; no homozygotes.

Submissions (2):

Labcorp Genetics (formerly Invitae), Labcorp
Classification: Uncertain significance. Last evaluated: 2025-03-13. Review status: criteria provided, single submitter. Criteria: Invitae Variant Classification Sherloc (09022015). Collection method: clinical testing. Allele origin: germline.
Comment: This sequence change replaces glutamic acid, which is acidic and polar, with lysine, which is basic and polar, at codon 467 of the KANK2 protein (p.Glu467Lys). This variant is present in population databases (rs764930410, gnomAD 0.03%). This variant has not been reported in the literature in individuals affected with KANK2-related conditions. ClinVar contains an entry for this variant (Variation ID: 2896672). An algorithm developed to predict the effect of missense changes on protein structure and function (PolyPhen-2) suggests that this variant is likely to be tolerated. In summary, the available evidence is currently insufficient to determine the role of this variant in disease. Therefore, it has been classified as a Variant of Uncertain Significance.

Ambry Genetics
Classification: Uncertain significance. Last evaluated: 2024-03-15. Review status: criteria provided, single submitter. Criteria: Ambry Variant Classification Scheme 2023. Collection method: clinical testing. Allele origin: germline.